The following is an entry in ClinVar:

ClinVar aggregate classification (germline): Uncertain significance (1 of 4 stars; one submission).

Allele frequency attached by ClinVar (database versions not stated): ExAC 0.00001; gnomAD 0.00001; TOPMed 0.00003; ESP Exome Variant Server 0.00008.
gnomAD v4.1: 11 of 1,611,482 alleles (0.00068%); highest among the groups gnomAD compares: African/African-American, 0.0053%; 1 homozygote.

Submission:

Labcorp Genetics (formerly Invitae), Labcorp
Classification: Uncertain significance. Last evaluated: 2024-05-25. Review status: criteria provided, single submitter. Criteria: Invitae Variant Classification Sherloc (09022015). Collection method: clinical testing. Allele origin: germline.
Comment: This sequence change replaces valine, which is neutral and non-polar, with methionine, which is neutral and non-polar, at codon 260 of the ITM2B protein (p.Val260Met). This variant is present in population databases (rs373968526, gnomAD 0.01%). This variant has not been reported in the literature in individuals affected with ITM2B-related conditions. ClinVar contains an entry for this variant (Variation ID: 1989687). Advanced modeling of protein sequence and biophysical properties (such as structural, functional, and spatial information, amino acid conservation, physicochemical variation, residue mobility, and thermodynamic stability) performed at Invitae indicates that this missense variant is not expected to disrupt ITM2B protein function with a negative predictive value of 80%. In summary, the available evidence is currently insufficient to determine the role of this variant in disease. Therefore, it has been classified as a Variant of Uncertain Significance.

NM_021999.5(ITM2B):c.778G>A (p.Val260Met)

Gene: ITM2B (integral membrane protein 2B; plus strand). Cytogenetic location: 13q14.2.
Variant type: single nucleotide variant.
Coding change: c.778G>A on transcript NM_021999.5 (MANE Select); coding-DNA position 778, G replaced by A.
Protein change: p.Val260Met; replaces valine 260 with methionine.
Molecular consequence: missense variant.
Genome position (GRCh38, 1-based): chr13:48,261,201, G>A. VCF-style: chr13-48261201-G-A. GRCh37 (hg19) VCF-style: chr13-48835337-G-A.
Other names: short protein forms V260M.
Identifiers: ClinVar variation 1989687 (VCV001989687.4), dbSNP rs373968526, ClinGen allele CA6978864.